The following is an entry in ClinVar:

NM_020184.4(CNNM4):c.2008C>G (p.Arg670Gly)

Gene: CNNM4 (cyclin and CBS domain divalent metal cation transport mediator 4; plus strand). Cytogenetic location: 2q11.2.
Variant type: single nucleotide variant.
Coding change: c.2008C>G on transcript NM_020184.4 (MANE Select); coding-DNA position 2008, C replaced by G.
Protein change: p.Arg670Gly; replaces arginine 670 with glycine.
Molecular consequence: missense variant.
Genome position (GRCh38, 1-based): chr2:96,808,620, C>G. VCF-style: chr2-96808620-C-G. GRCh37 (hg19) VCF-style: chr2-97474357-C-G.
Other names: short protein forms R670G.
Identifiers: ClinVar variation 1716116 (VCV001716116.5), dbSNP rs558931421, ClinGen allele CA347708576.

ClinVar aggregate classification (germline): Uncertain significance (1 of 4 stars; one submission).

Submission:

Labcorp Genetics (formerly Invitae), Labcorp
Classification: Uncertain significance. Last evaluated: 2023-11-27. Review status: criteria provided, single submitter. Criteria: Invitae Variant Classification Sherloc (09022015). Collection method: clinical testing. Allele origin: germline.
Comment: This sequence change replaces arginine, which is basic and polar, with glycine, which is neutral and non-polar, at codon 670 of the CNNM4 protein (p.Arg670Gly). This variant is not present in population databases (gnomAD no frequency). This variant has not been reported in the literature in individuals affected with CNNM4-related conditions. ClinVar contains an entry for this variant (Variation ID: 1716116). An algorithm developed to predict the effect of missense changes on protein structure and function (PolyPhen-2) suggests that this variant is likely to be disruptive. In summary, the available evidence is currently insufficient to determine the role of this variant in disease. Therefore, it has been classified as a Variant of Uncertain Significance.